The following is an entry in ClinVar:

NM_001145809.2(MYH14):c.2599C>T (p.Arg867Cys)

Gene: MYH14 (myosin heavy chain 14; plus strand). Cytogenetic location: 19q13.33.
Variant type: single nucleotide variant.
Coding change: c.2599C>T on transcript NM_001145809.2 (MANE Select); coding-DNA position 2599, C replaced by T.
Protein change: p.Arg867Cys; replaces arginine 867 with cysteine.
Molecular consequence: missense variant.
Genome position (GRCh38, 1-based): chr19:50,263,325, C>T. VCF-style: chr19-50263325-C-T. GRCh37 (hg19) VCF-style: chr19-50766582-C-T.
Other names: p.Arg826Cys; c.2500C>T, p.Arg834Cys (NM_001077186.2); c.2476C>T, p.Arg826Cys (NM_024729.4); short protein forms R867C, R834C, R826C.
Identifiers: ClinVar variation 893634 (VCV000893634.19), dbSNP rs753356694, ClinGen allele CA9593012.
Genomic context (GRCh38, chr19:50,263,325, plus strand): 5'-GGCGCCTGGAGGCTCCCACTCTGCCCCTCACCCATTTCCCCACCCAGGGCCTTCCAGAAG[C>T]GCCAGCAGCAGCAGAGCGCCCTGAGGGTGATGCAGCGGAACTGCGCGGCCTACCTCAAGC-3'
Protein context (NP_001139281.1, residues 857-877): GYLARRAFQK[Arg867Cys]QQQQSALRVM

ClinVar aggregate classification (germline): Conflicting classifications of pathogenicity. Review status: criteria provided, conflicting classifications (1 of 4 stars). 7 submissions from 7 submitters: Uncertain significance (6); Likely benign (1). Last evaluated 2025-09-25.

Conditions:
Hearing impairment. Also called: Impaired Hearing. Identifiers: MedGen C1384666, MONDO:0005365, HP:0000365.
MYH14-related disorder. Also called: MYH14-related condition.
Peripheral neuropathy-myopathy-hoarseness-hearing loss syndrome. Identifiers: Orphanet 397744, MedGen C3280556, MONDO:0013711, OMIM 614369.
Autosomal dominant nonsyndromic hearing loss 4A. Also called: Deafness, autosomal dominant 4A. Identifiers: Orphanet 90635, MedGen C1833503, MONDO:0010915, OMIM 600652.

Allele frequency attached by ClinVar (database versions not stated): TOPMed 0.00006.
gnomAD v4.1: 88 of 1,560,888 alleles (0.0056%); highest among the groups gnomAD compares: Non-Finnish European, 0.007%; 1 homozygote.

Submissions (7):

PreventionGenetics, part of Exact Sciences
Classification: Uncertain significance for MYH14-related condition. Last evaluated: 2025-09-25. Review status: criteria provided, single submitter. Criteria: ACMG Guidelines, 2015. Collection method: clinical testing. Allele origin: germline.
Comment: The MYH14 c.2599C>T variant is predicted to result in the amino acid substitution p.Arg867Cys. To our knowledge, this variant has not been reported in the literature. This variant is reported in 0.0093% of alleles in individuals of European (Non-Finnish) descent in gnomAD. At this time, the clinical significance of this variant is uncertain due to the absence of conclusive functional and genetic evidence.

Labcorp Genetics (formerly Invitae), Labcorp
Classification: Uncertain significance. Last evaluated: 2024-05-24. Review status: criteria provided, single submitter. Criteria: Invitae Variant Classification Sherloc (09022015). Collection method: clinical testing. Allele origin: germline.
Comment: This sequence change replaces arginine, which is basic and polar, with cysteine, which is neutral and slightly polar, at codon 826 of the MYH14 protein (p.Arg826Cys). This variant is present in population databases (rs753356694, gnomAD 0.01%). This missense change has been observed in individual(s) with deafness (PMID: 27393652). This variant is also known as c.2599C>T (p.R867C). ClinVar contains an entry for this variant (Variation ID: 893634). Advanced modeling of protein sequence and biophysical properties (such as structural, functional, and spatial information, amino acid conservation, physicochemical variation, residue mobility, and thermodynamic stability) performed at Invitae indicates that this missense variant is expected to disrupt MYH14 protein function with a positive predictive value of 80%. In summary, the available evidence is currently insufficient to determine the role of this variant in disease. Therefore, it has been classified as a Variant of Uncertain Significance.

Mayo Clinic Laboratories, Mayo Clinic
Classification: Uncertain significance. Last evaluated: 2023-07-13. Review status: criteria provided, single submitter. Criteria: ACMG Guidelines, 2015. Collection method: clinical testing. Allele origin: germline. Observed: 1 variant allele.
Comment: BS2

Department of Otolaryngology – Head & Neck Surgery, Cochlear Implant Center
Classification: Uncertain significance for Hearing impairment. Last evaluated: 2021-04-12. Review status: criteria provided, single submitter. Criteria: ClinGen HL ACMG Specifications v1. Collection method: clinical testing. Allele origin: germline. Affected: yes.
Comment: PM2_Moderate, PP3_Supporting

GeneDx
Classification: Likely benign. Last evaluated: 2021-04-06. Review status: criteria provided, single submitter. Criteria: GeneDx Variant Classification Process June 2021. Collection method: clinical testing. Allele origin: germline. Affected: yes.

Centre for Mendelian Genomics, University Medical Centre Ljubljana
Classification: Uncertain significance for Peripheral neuropathy-myopathy-hoarseness-hearing loss syndrome. Last evaluated: 2018-11-22. Review status: criteria provided, single submitter. Criteria: ACMG Guidelines, 2015. Collection method: clinical testing. Allele origin: unknown. Affected: yes.
Comment: This variant was classified as: Uncertain significance. The available evidence on this variant's pathogenicity is insufficient or conflicting. The following ACMG criteria were applied in classifying this variant: PP3.

Illumina Laboratory Services, Illumina
Classification: Uncertain significance for Autosomal dominant nonsyndromic hearing loss 4A. Last evaluated: 2017-04-27. Review status: criteria provided, single submitter. Criteria: ICSL Variant Classification Criteria 13 December 2019. Collection method: clinical testing. Allele origin: germline.

Literature cited by the submitters: PubMed 27393652 (cited by Labcorp Genetics (formerly Invitae), Labcorp and Mayo Clinic Laboratories, Mayo Clinic).